The following is an entry in ClinVar:

NM_000138.5(FBN1):c.2949del (p.Val984fs)

Gene: FBN1 (fibrillin 1; minus strand). Cytogenetic location: 15q21.1.
Variant type: Deletion.
Coding change: c.2949del on transcript NM_000138.5 (MANE Select); coding-DNA position 2949, one base deleted (C; older notation c.2949delC).
Protein change: p.Val984fs; shifts the reading frame from valine 984.
Molecular consequence: frameshift variant.
Genome position (GRCh38, 1-based): chr15:48,489,984, G deleted on the plus strand (C on the coding strand, the reverse complement: FBN1 is on the minus strand); the first of 2 consecutive G bases (chr15:48,489,984-48,489,985); deleting either gives the same sequence. VCF-style (leftmost placement, unchanged base first): chr15-48489983-CG-C. GRCh37 (hg19) VCF-style: chr15-48782180-CG-C.
Other names: c.2949del, p.Val984fs (NM_001406716.1); short protein forms V984fs.
Identifiers: ClinVar variation 2944667 (VCV002944667.3), dbSNP rs2505558291, ClinGen allele CA2740096651.

ClinVar aggregate classification (germline): Pathogenic (1 of 4 stars; one submission).

Conditions:
Marfan syndrome (MFS). Also called: MARFAN SYNDROME, TYPE I; Marfan syndrome type 1; Marfan's syndrome; Marfan syndrome, classic; FBN1-Related Marfan Syndrome. Identifiers: Orphanet 284963, Orphanet 558, MedGen C0024796, MONDO:0007947, OMIM 154700.
Familial thoracic aortic aneurysm and aortic dissection (TAAD). Also called: Thoracic aortic aneurysms and dissections. Identifiers: Orphanet 91387, MedGen C4707243, MONDO:0019625.

Submission:

Labcorp Genetics (formerly Invitae), Labcorp
Classification: Pathogenic for Marfan syndrome; Familial thoracic aortic aneurysm and aortic dissection. Last evaluated: 2023-02-24. Review status: criteria provided, single submitter. Criteria: Invitae Variant Classification Sherloc (09022015). Collection method: clinical testing. Allele origin: germline.
Comment: This variant has not been reported in the literature in individuals affected with FBN1-related conditions. This sequence change creates a premature translational stop signal (p.Val984Serfs*15) in the FBN1 gene. It is expected to result in an absent or disrupted protein product. Loss-of-function variants in FBN1 are known to be pathogenic (PMID: 17657824, 19293843). This variant is not present in population databases (gnomAD no frequency). For these reasons, this variant has been classified as Pathogenic.

Literature cited by the submitters: PubMed 17657824; PubMed 19293843.